The following is an entry in ClinVar:

ClinVar aggregate classification (germline): Uncertain significance. Review status: criteria provided, multiple submitters, no conflicts (2 of 4 stars). 2 submissions from 2 submitters: Uncertain significance (2). Last evaluated 2024-08-11.

Conditions:
Hereditary cancer-predisposing syndrome. Also called: Hereditary Cancer Syndrome; Hereditary neoplastic syndrome; Neoplastic Syndromes, Hereditary; Tumor predisposition. Identifiers: Orphanet 140162, MedGen C0027672, MeSH D009386, MONDO:0015356.
Familial cancer of breast. Also called: Hereditary breast cancer; BREAST CANCER, FAMILIAL; hereditary breast carcinoma. Identifiers: Orphanet 227535, MedGen C0346153, MONDO:0016419, OMIM 114480. Disease mechanism: loss of function.

Submissions (2):

Labcorp Genetics (formerly Invitae), Labcorp
Classification: Uncertain significance for Familial cancer of breast. Last evaluated: 2024-08-11. Review status: criteria provided, single submitter. Criteria: Invitae Variant Classification Sherloc (09022015). Collection method: clinical testing. Allele origin: germline.
Comment: This sequence change replaces serine, which is neutral and polar, with arginine, which is basic and polar, at codon 151 of the BARD1 protein (p.Ser151Arg). This variant is not present in population databases (gnomAD no frequency). This variant has not been reported in the literature in individuals affected with BARD1-related conditions. ClinVar contains an entry for this variant (Variation ID: 1741346). An algorithm developed to predict the effect of missense changes on protein structure and function (PolyPhen-2) suggests that this variant is likely to be tolerated. Algorithms developed to predict the effect of sequence changes on RNA splicing suggest that this variant may create or strengthen a splice site. In summary, the available evidence is currently insufficient to determine the role of this variant in disease. Therefore, it has been classified as a Variant of Uncertain Significance.

Ambry Genetics
Classification: Uncertain significance for Hereditary cancer-predisposing syndrome. Last evaluated: 2021-05-01. Review status: criteria provided, single submitter. Criteria: Ambry Variant Classification Scheme 2023. Collection method: clinical testing. Allele origin: germline.
Comment: The p.S151R variant (also known as c.453T>A), located in coding exon 4 of the BARD1 gene, results from a T to A substitution at nucleotide position 453. The serine at codon 151 is replaced by arginine, an amino acid with dissimilar properties. This amino acid position is highly conserved in available vertebrate species. In addition, this alteration is predicted to be tolerated by in silico analysis. Since supporting evidence is limited at this time, the clinical significance of this alteration remains unclear.

NM_000465.4(BARD1):c.453T>A (p.Ser151Arg)

Gene: BARD1 (BRCA1 associated RING domain 1; minus strand). Cytogenetic location: 2q35.
Variant type: single nucleotide variant.
Coding change: c.453T>A on transcript NM_000465.4 (MANE Select); coding-DNA position 453, T replaced by A.
Protein change: p.Ser151Arg; replaces serine 151 with arginine.
Molecular consequence: missense variant. On other transcripts: non-coding transcript variant (2), intron variant (3).
Genome position (GRCh38, 1-based): chr2:214,781,421, A>T on the plus strand (T>A on the coding strand, the complement: BARD1 is on the minus strand). VCF-style: chr2-214781421-A-T. GRCh37 (hg19) VCF-style: chr2-215646145-A-T.
Other names: c.396T>A, p.Ser132Arg (NM_001282543.2); c.158+27991T>A (NM_001282548.2); c.215+15640T>A (NM_001282545.2); c.364+10876T>A (NM_001282549.2); short protein forms S132R, S151R.
Identifiers: ClinVar variation 1741346 (VCV001741346.8), dbSNP rs2469513243, ClinGen allele CA350457694.
Genomic context (GRCh38, chr2:214,781,421, plus strand): 5'-TTTTTTTATTGCAGGCTGGGTTTGCACTGAAGCTTTACTCACAACATATCTGACTTTCTT[A>T]CTTCGAGGGCTAAACCACATTTTAATTGAATTCTTCTTGTTTCCTGCATCATTAAACAAA-3'
Protein context (NP_000456.2, residues 141-161): NSIKMWFSPR[Ser151Arg]KKVRYVVSKA